The following is an entry in ClinVar:

NM_133259.4(LRPPRC):c.3018A>G (p.Glu1006=)

Gene: LRPPRC (leucine rich pentatricopeptide repeat containing; minus strand). Cytogenetic location: 2p21.
Variant type: single nucleotide variant.
Coding change: c.3018A>G on transcript NM_133259.4 (MANE Select); coding-DNA position 3018, A replaced by G.
Protein change: p.Glu1006=; no amino-acid change (glutamic acid 1006 retained).
Molecular consequence: synonymous variant.
Genome position (GRCh38, 1-based): chr2:43,918,277, T>C on the plus strand (A>G on the coding strand, the complement: LRPPRC is on the minus strand). VCF-style: chr2-43918277-T-C. GRCh37 (hg19) VCF-style: chr2-44145416-T-C.
Other names: c.3018A>G (NM_133259.3).
Identifiers: ClinVar variation 2844693 (VCV002844693.4), dbSNP rs2466451852, ClinGen allele CA425908564.
Genomic context (GRCh38, chr2:43,918,277, plus strand): 5'-GACAACAAAATCTGTTACGATTATGCCAAAAACAATTACCTCAGGTACGTCAAACGGAAC[T>C]TCCTGGTTACCCTCTCTAAGGATTTCTGCTAATAATCTTAATGTCTTTTCACGAGGAATA-3'
Protein context (NP_573566.2, residues 996-1016): LAEILREGNQ[Glu1006=]VPFDVPELWY

ClinVar aggregate classification (germline): Likely benign. Review status: criteria provided, single submitter (1 of 4 stars). 2 submissions from 2 submitters: Likely benign (1). 1 of the submissions does not count toward it. Last evaluated 2023-03-18.

Conditions:
LRPPRC-related disorder. Also called: LRPPRC-related condition.

Submissions (2):

Labcorp Genetics (formerly Invitae), Labcorp
Classification: Likely benign. Last evaluated: 2023-03-18. Review status: criteria provided, single submitter. Criteria: Invitae Variant Classification Sherloc (09022015). Collection method: clinical testing. Allele origin: germline.

PreventionGenetics, part of Exact Sciences
Classification: Likely benign for LRPPRC-related condition. Last evaluated: 2024-07-25. Review status: no assertion criteria provided. Collection method: clinical testing. Allele origin: germline. Not counted in ClinVar's aggregate classification.
Comment: This variant is classified as likely benign based on ACMG/AMP sequence variant interpretation guidelines (Richards et al. 2015 PMID: 25741868, with internal and published modifications).